The following is an entry in ClinVar:

NM_004341.5(CAD):c.6631A>G (p.Met2211Val)

Genes: CAD (carbamoyl-phosphate synthetase 2, aspartate transcarbamylase, and dihydroorotase; plus strand), LOC126806172 (CDK7 strongly-dependent group 2 enhancer GRCh37_chr2:27465505-27466704; plus strand). Cytogenetic location: 2p23.3.
Variant type: single nucleotide variant.
Coding change: c.6631A>G on transcript NM_004341.5 (MANE Select); coding-DNA position 6631, A replaced by G.
Protein change: p.Met2211Val; replaces methionine 2211 with valine.
Molecular consequence: missense variant.
Genome position (GRCh38, 1-based): chr2:27,243,471, A>G. VCF-style: chr2-27243471-A-G. GRCh37 (hg19) VCF-style: chr2-27466339-A-G.
Other names: c.6442A>G, p.Met2148Val (NM_001306079.2); short protein forms M2148V, M2211V.
Identifiers: ClinVar variation 1514870 (VCV001514870.8), dbSNP rs763415972, ClinGen allele CA1574290.

ClinVar aggregate classification (germline): Uncertain significance (1 of 4 stars; one submission).

Allele frequency attached by ClinVar (database versions not stated): ExAC 0.00001; gnomAD exomes 0.00001.
gnomAD v4.1: 10 of 1,604,678 alleles (0.00062%); highest among the groups gnomAD compares: Admixed American, 0.0034%; no homozygotes.

Submission:

Labcorp Genetics (formerly Invitae), Labcorp
Classification: Uncertain significance. Last evaluated: 2021-06-24. Review status: criteria provided, single submitter. Criteria: Invitae Variant Classification Sherloc (09022015). Collection method: clinical testing. Allele origin: germline.
Comment: This sequence change replaces methionine with valine at codon 2211 of the CAD protein (p.Met2211Val). The methionine residue is moderately conserved and there is a small physicochemical difference between methionine and valine. This variant is present in population databases (rs763415972, ExAC 0.008%). This variant has not been reported in the literature in individuals with CAD-related conditions. Algorithms developed to predict the effect of missense changes on protein structure and function (SIFT, PolyPhen-2, Align-GVGD) all suggest that this variant is likely to be tolerated, but these predictions have not been confirmed by published functional studies and their clinical significance is uncertain. In summary, the available evidence is currently insufficient to determine the role of this variant in disease. Therefore, it has been classified as a Variant of Uncertain Significance.